The following is an entry in ClinVar:

ClinVar aggregate classification (germline): Pathogenic/Likely pathogenic. Review status: criteria provided, multiple submitters, no conflicts (2 of 4 stars). 6 submissions from 6 submitters: Pathogenic (4); Likely pathogenic (1). 1 of the submissions does not count toward it. Last evaluated 2025-12-01.

Conditions:
GM1 gangliosidosis type 3. Also called: GANGLIOSIDOSIS, GENERALIZED GM1, ADULT TYPE; GANGLIOSIDOSIS, GENERALIZED GM1, CHRONIC TYPE; GANGLIOSIDOSIS, GENERALIZED GM1, TYPE III; Beta-galactosidase deficiency; Adult GM1 gangliosidosis; Type 3 (adult) GM1 gangliosidosis. Identifiers: Orphanet 79257, MedGen C0268273, MONDO:0009262, OMIM 230650.
Mucopolysaccharidosis, MPS-IV-B (MPS4B). Also called: Mucopolysaccharidosis Type IVB (Morquio B Disease); Mucopolysaccharidosis type 4B; Mucopolysaccharidosis type IVB (Morquio); MPS IVB; Mucopolysaccharidosis type IV B; MORQUIO SYNDROME B. Identifiers: Orphanet 309310, Orphanet 582, MedGen C0086652, MONDO:0009660, OMIM 253010.
GM1 gangliosidosis type 2. Also called: GANGLIOSIDOSIS, GENERALIZED GM1, JUVENILE TYPE; GANGLIOSIDOSIS, GENERALIZED GM1, TYPE II; Juvenile GM>1< gangliosidosis; Gangliosidosis, Generalized GM1, Type 2; GM1-GANGLIOSIDOSIS, TYPE II. Identifiers: Orphanet 354, Orphanet 79256, MedGen C0268272, MONDO:0009261, OMIM 230600.
Infantile GM1 gangliosidosis. Also called: GM1-gangliosidosis, type I; Gangliosidosis, generalized GM1, infantile form; GLB1 deficiency; GM1 gangliosidosis type 1; Gangliosidosis, Generalized GM1, Type 1. Identifiers: Orphanet 354, Orphanet 79255, MedGen C0268271, MONDO:0009260, OMIM 230500.
GM1 gangliosidosis. Identifiers: Orphanet 354, MedGen C0085131, MONDO:0018149.

Submissions (6):

Labcorp Genetics (formerly Invitae), Labcorp
Classification: Pathogenic for Mucopolysaccharidosis, MPS-IV-B; GM1 gangliosidosis. Last evaluated: 2025-12-01. Review status: criteria provided, single submitter. Criteria: Invitae Variant Classification Sherloc (09022015). Collection method: clinical testing. Allele origin: germline.
Comment: This sequence change creates a premature translational stop signal (p.Leu392Valfs*64) in the GLB1 gene. It is expected to result in an absent or disrupted protein product. Loss-of-function variants in GLB1 are known to be pathogenic (PMID: 18524657). This variant is present in population databases (rs398123348, gnomAD 0.007%). This variant has not been reported in the literature in individuals affected with GLB1-related conditions. ClinVar contains an entry for this variant (Variation ID: 92893). For these reasons, this variant has been classified as Pathogenic.

GeneDx
Classification: Pathogenic. Last evaluated: 2025-06-09. Review status: criteria provided, single submitter. Criteria: GeneDx Variant Classification Process June 2021. Collection method: clinical testing. Allele origin: germline. Affected: yes.
Comment: Frameshift variant predicted to result in protein truncation or nonsense mediated decay in a gene for which loss of function is a known mechanism of disease; Not observed at significant frequency in large population cohorts (gnomAD); Observed in a cohort of patients with a suspected skeletal dysplasia; detailed clinical information and zygosity was not reported (PMID: 38702915); This variant is associated with the following publications: (PMID: 31589614, 38702915)

Natera, Inc.
Classification: Likely pathogenic for Mucopolysaccharidosis, MPS-IV-B. Last evaluated: 2025-02-26. Review status: criteria provided, single submitter. Criteria: Natera Variant Classification Schema (03/2026). Collection method: clinical testing. Allele origin: germline.
Comment: The c.1174_1175delCT variant in GLB1 is a frameshift variant predicted to shift the reading frame beginning at codon 392 and leads to a stop codon 64 codons downstream. This variant is expected to result in nonsense mediated decay, truncation, or a dysfunctional protein product. This variant is rare in the general population with a frequency below the threshold expected for the associated phenotype(s). Given the available evidence, this variant is classified as Likely Pathogenic.

Fulgent Genetics
Classification: Pathogenic for Infantile GM1 gangliosidosis; GM1 gangliosidosis type 2; GM1 gangliosidosis type 3; Mucopolysaccharidosis, MPS-IV-B. Last evaluated: 2024-06-04. Review status: criteria provided, single submitter. Criteria: ACMG Guidelines, 2015. Collection method: clinical testing. Allele origin: germline.

Eurofins Ntd Llc (ga)
Classification: Pathogenic. Last evaluated: 2013-02-18. Review status: criteria provided, single submitter. Criteria: EGL Classification Definitions. Collection method: clinical testing. Allele origin: germline. Observed: 2 variant alleles, 2 heterozygotes.

Counsyl
Classification: Likely pathogenic for Infantile GM1 gangliosidosis; GM1 gangliosidosis type 2; GM1 gangliosidosis type 3; Mucopolysaccharidosis, MPS-IV-B. Last evaluated: 2018-01-25. Review status: no assertion criteria provided. Collection method: clinical testing. Allele origin: unknown. Not counted in ClinVar's aggregate classification.

Literature cited by the submitters: PubMed 18524657 (cited by Labcorp Genetics (formerly Invitae), Labcorp).

NM_000404.4(GLB1):c.1174_1175del (p.Leu392fs)

Gene: GLB1 (galactosidase beta 1; minus strand). Cytogenetic location: 3p22.3.
Variant type: Deletion.
Coding change: c.1174_1175del on transcript NM_000404.4 (MANE Select); coding-DNA positions 1174 to 1175, 2 bases deleted (CT; older notation c.1174_1175delCT).
Protein change: p.Leu392fs; shifts the reading frame from leucine 392.
Molecular consequence: frameshift variant.
Genome position (GRCh38, 1-based): chr3:33,021,624-33,021,625, AG deleted on the plus strand (CT on the coding strand, the reverse complement: GLB1 is on the minus strand); deleting any 2 consecutive bases within chr3:33,021,624-33,021,626 gives the same sequence; the c. name uses the placement nearest the transcript's 3' end. VCF-style (leftmost placement, unchanged base first): chr3-33021623-CAG-C. GRCh37 (hg19) VCF-style: chr3-33063115-CAG-C.
Other names: c.1084_1085del, p.Leu362fs (NM_001079811.3); c.781_782del, p.Leu261fs (NM_001135602.3); c.1318_1319del, p.Leu440fs (NM_001317040.2); c.1174_1175del, p.Leu392fs (NM_001393580.1); c.1174_1175del (NM_000404.2); c.1174_1175delCT (NM_000404.3); short protein forms L362fs, L392fs, L261fs, L440fs.
Identifiers: ClinVar variation 92893 (VCV000092893.16), dbSNP rs398123348, ClinGen allele CA200897.